The following is an entry in ClinVar:

NM_006118.4(HAX1):c.106G>C (p.Glu36Gln)

Gene: HAX1 (HCLS1 associated protein X-1; plus strand). Cytogenetic location: 1q21.3.
Variant type: single nucleotide variant.
Coding change: c.106G>C on transcript NM_006118.4 (MANE Select); coding-DNA position 106, G replaced by C.
Protein change: p.Glu36Gln; replaces glutamic acid 36 with glutamine.
Molecular consequence: missense variant. On other transcripts: intron variant (1).
Genome position (GRCh38, 1-based): chr1:154,273,388, G>C. VCF-style: chr1-154273388-G-C. GRCh37 (hg19) VCF-style: chr1-154245864-G-C.
Other names: c.54-92G>C (NM_001018837.2); short protein forms E36Q.
Identifiers: ClinVar variation 3665368 (VCV003665368.2).

ClinVar aggregate classification (germline): Uncertain significance (1 of 4 stars; one submission).

Conditions:
Kostmann syndrome (SCN3). Also called: KOSTMANN DISEASE; Autosomal recessive severe congenital neutropenia type 3. Identifiers: Orphanet 99749, MedGen C5235141, MONDO:0012548, OMIM 610738.

Submission:

Labcorp Genetics (formerly Invitae), Labcorp
Classification: Uncertain significance for Kostmann syndrome. Last evaluated: 2024-09-06. Review status: criteria provided, single submitter. Criteria: Invitae Variant Classification Sherloc (09022015). Collection method: clinical testing. Allele origin: germline.
Comment: This sequence change replaces glutamic acid, which is acidic and polar, with glutamine, which is neutral and polar, at codon 36 of the HAX1 protein (p.Glu36Gln). This variant is not present in population databases (gnomAD no frequency). This missense change has been observed in individual(s) with neutropenia (internal data). In at least one individual the data is consistent with being in trans (on the opposite chromosome) from a pathogenic variant. Invitae Evidence Modeling of protein sequence and biophysical properties (such as structural, functional, and spatial information, amino acid conservation, physicochemical variation, residue mobility, and thermodynamic stability) indicates that this missense variant is not expected to disrupt HAX1 protein function with a negative predictive value of 80%. In summary, the available evidence is currently insufficient to determine the role of this variant in disease. Therefore, it has been classified as a Variant of Uncertain Significance.